The following is an entry in ClinVar:

NM_003924.4(PHOX2B):c.810_813delinsCTGC (p.Gln271Cys)

Gene: PHOX2B (paired like homeobox 2B; minus strand). Cytogenetic location: 4p13.
Variant type: Indel.
Coding change: c.810_813delinsCTGC on transcript NM_003924.4 (MANE Select); coding-DNA positions 810 to 813, ACAA replaced by CTGC.
Protein change: p.Gln271Cys; replaces glutamine 271 with cysteine.
Molecular consequence: missense variant.
Genome position (GRCh38, 1-based): chr4:41,745,939-41,745,942, TTGT replaced by GCAG on the plus strand (ACAA replaced by CTGC on the coding strand, the reverse complement: PHOX2B is on the minus strand). VCF-style: chr4-41745939-TTGT-GCAG. GRCh37 (hg19) VCF-style: chr4-41747956-TTGT-GCAG.
Other names: short protein forms Q271C.
Identifiers: ClinVar variation 3223600 (VCV003223600.1), dbSNP rs2552096787, ClinGen allele CA2825001293.

ClinVar aggregate classification (germline): Uncertain significance (1 of 4 stars; one submission).

Conditions:
Hereditary cancer-predisposing syndrome. Also called: Tumor predisposition; Hereditary neoplastic syndrome; Hereditary Cancer Syndrome; Neoplastic Syndromes, Hereditary. Identifiers: Orphanet 140162, MedGen C0027672, MeSH D009386, MONDO:0015356.

Submission:

Ambry Genetics
Classification: Uncertain significance for Hereditary cancer-predisposing syndrome. Last evaluated: 2024-01-30. Review status: criteria provided, single submitter. Criteria: Ambry Variant Classification Scheme 2023. Collection method: clinical testing. Allele origin: germline.
Comment: The c.810_813delACAAinsCTGC variant (also known as p.Q271C), located in coding exon 3 of the PHOX2B gene, results from an in-frame deletion of ACAA and insertion of CTGC at nucleotide positions 810 to 813. This results in the substitution of the glutamine residue for a cysteine residue at codon 271, an amino acid with highly dissimilar properties. This amino acid position is well conserved in available vertebrate species. In addition, this alteration is predicted to be neutral by in silico analysis (Choi Y et al. PLoS ONE. 2012; 7(10):e46688). Based on the available evidence, the clinical significance of this alteration remains unclear.